The following is an entry in ClinVar:

ClinVar aggregate classification (germline): Pathogenic (1 of 4 stars; one submission).

Conditions:
Inborn genetic diseases. Identifiers: MedGen C0950123, MeSH D030342.

Submission:

Ambry Genetics
Classification: Pathogenic for Inborn genetic diseases. Last evaluated: 2017-10-13. Review status: criteria provided, single submitter. Criteria: Ambry Variant Classification Scheme 2023. Collection method: clinical testing. Allele origin: germline.
Comment: The c.2078delG pathogenic mutation, located in coding exon 5 of the IQSEC2 gene, results from a deletion of one nucleotide at nucleotide position 2078, causing a translational frameshift with a predicted alternate stop codon (p.G693Vfs*29). This alteration is expected to result in loss of function by premature protein truncation or nonsense-mediated mRNA decay. As such, this alteration is interpreted as a disease-causing mutation.

NM_001111125.3(IQSEC2):c.2078del (p.Gly693fs)

Gene: IQSEC2 (IQ motif and Sec7 domain ArfGEF 2; minus strand). Cytogenetic location: Xp11.22.
Variant type: Deletion.
Coding change: c.2078del on transcript NM_001111125.3 (MANE Select); coding-DNA position 2078, one base deleted (G; older notation c.2078delG).
Protein change: p.Gly693fs; shifts the reading frame from glycine 693.
Molecular consequence: frameshift variant.
Genome position (GRCh38, 1-based): chrX:53,250,498, C deleted on the plus strand (G on the coding strand, the reverse complement: IQSEC2 is on the minus strand); the first of 2 consecutive C bases (chrX:53,250,498-53,250,499); deleting either gives the same sequence. VCF-style (leftmost placement, unchanged base first): chrX-53250497-AC-A. GRCh37 (hg19) VCF-style: chrX-53279679-AC-A.
Other names: c.2077delG, p.Gly693Valfs (NM_001410736.1); c.1463del, p.Gly488fs (NM_015075.2); short protein forms G488fs, G693fs.
Identifiers: ClinVar variation 1785494 (VCV001785494.2), dbSNP rs2519799405, ClinGen allele CA2580101176.